The following is an entry in ClinVar:

ClinVar aggregate classification (germline): Uncertain significance (1 of 4 stars; one submission).

Conditions:
Nizon-Isidor syndrome. Identifiers: MedGen C5394350, MONDO:0030030, OMIM 618872.

Allele frequency attached by ClinVar (database versions not stated): gnomAD exomes below 0.00001.
gnomAD v4.1: 3 of 1,613,964 alleles (0.00019%); highest among the groups gnomAD compares: South Asian, 0.0022%; no homozygotes.

Submission:

Foundation for Research in Genetics and Endocrinology, FRIGE's Institute of Human Genetics
Classification: Uncertain significance for Nizon-Isidor syndrome. Last evaluated: 2024-04-26. Review status: criteria provided, single submitter. Criteria: ACMG Guidelines, 2015. Collection method: clinical testing. Allele origin: germline. Inheritance: Autosomal dominant inheritance. Affected: yes. Observed: 1 heterozygote.
Comment: A heterozygous missense variant in exon 10 of the MED12L gene that results in the amino acid substitution of Valine for Isoleucine at codon 424 (p.Ile424Val) was detected. The variant has not been reported in the 1000 genomes, gnomAD (v3.1), gnomdAD (v2.1) and topmed databases. The in-silico prediction of the variant is damaging by LRT. The reference codon is conserved across mammals. In summary, the variant meets our criteria to be classified as variant of uncertain significance.

NM_001393769.1(MED12L):c.1270A>G (p.Ile424Val)

Gene: MED12L (mediator complex subunit 12L; plus strand). Cytogenetic location: 3q25.1.
Variant type: single nucleotide variant.
Coding change: c.1270A>G on transcript NM_001393769.1 (MANE Select); coding-DNA position 1270, A replaced by G.
Protein change: p.Ile424Val; replaces isoleucine 424 with valine.
Molecular consequence: missense variant.
Genome position (GRCh38, 1-based): chr3:151,165,432, A>G. VCF-style: chr3-151165432-A-G. GRCh37 (hg19) VCF-style: chr3-150883219-A-G.
Other names: p.Ile424Val; c.1270A>G, p.Ile424Val (NM_053002.6); short protein forms I424V.
Identifiers: ClinVar variation 3233439 (VCV003233439.2), dbSNP rs2530585292, ClinGen allele CA354958947.